The following is an entry in ClinVar:

NM_006231.4(POLE):c.4565del (p.Gln1522fs)

Gene: POLE (DNA polymerase epsilon, catalytic subunit; minus strand). Cytogenetic location: 12q24.33.
Variant type: Deletion.
Coding change: c.4565del on transcript NM_006231.4 (MANE Select); coding-DNA position 4565, one base deleted (A; older notation c.4565delA).
Protein change: p.Gln1522fs; shifts the reading frame from glutamine 1522.
Molecular consequence: frameshift variant.
Genome position (GRCh38, 1-based): chr12:132,642,983, T deleted on the plus strand (A on the coding strand, the reverse complement: POLE is on the minus strand). VCF-style (leftmost placement, unchanged base first): chr12-132642982-CT-C. GRCh37 (hg19) VCF-style: chr12-133219568-CT-C.
Other names: short protein forms Q1522fs.
Identifiers: ClinVar variation 4862303 (VCV004862303.1).

ClinVar aggregate classification (germline): Uncertain significance (1 of 4 stars; one submission).

Conditions:
Hereditary cancer-predisposing syndrome. Also called: Neoplastic Syndromes, Hereditary; Tumor predisposition; Hereditary Cancer Syndrome; Hereditary neoplastic syndrome. Identifiers: Orphanet 140162, MedGen C0027672, MeSH D009386, MONDO:0015356.

Submission:

Ambry Genetics
Classification: Uncertain significance for Hereditary cancer-predisposing syndrome. Last evaluated: 2026-05-08. Review status: criteria provided, single submitter. Criteria: Ambry Variant Classification Scheme 2023. Collection method: clinical testing. Allele origin: germline.
Comment: The c.4565delA variant, located in coding exon 36 of the POLE gene, results from a deletion of one nucleotide at nucleotide position 4565, causing a translational frameshift with a predicted alternate stop codon (p.Q1522Rfs*40). This alteration is expected to result in loss of function by premature protein truncation or nonsense-mediated mRNA decay. Although biallelic loss of function of POLE has been associated with autosomal recessive POLE deficiency, haploinsufficiency of POLE has not been established as a mechanism of disease for POLE-related polymerase proofreading-associated polyposis (PPAP) and POLE-related CMMRD-like syndrome. Based on the supporting evidence, this variant is expected to be causative of POLE deficiency when present along with a second pathogenic variant on the other allele; however, its clinical significance for PPAP and POLE-related CMMRD-like syndrome is unclear.